The following is an entry in ClinVar:

ClinVar aggregate classification (germline): Uncertain significance (1 of 4 stars; one submission).

gnomAD v4.1: 11 of 1,604,892 alleles (0.00069%); highest among the groups gnomAD compares: Non-Finnish European, 0.00085%; no homozygotes.

Submission:

Labcorp Genetics (formerly Invitae), Labcorp
Classification: Uncertain significance. Last evaluated: 2024-09-02. Review status: criteria provided, single submitter. Criteria: Invitae Variant Classification Sherloc (09022015). Collection method: clinical testing. Allele origin: germline.
Comment: This sequence change replaces alanine, which is neutral and non-polar, with glycine, which is neutral and non-polar, at codon 282 of the RPSA protein (p.Ala282Gly). This variant is not present in population databases (gnomAD no frequency). This variant has not been reported in the literature in individuals affected with RPSA-related conditions. An algorithm developed to predict the effect of missense changes on protein structure and function (PolyPhen-2) suggests that this variant is likely to be tolerated. In summary, the available evidence is currently insufficient to determine the role of this variant in disease. Therefore, it has been classified as a Variant of Uncertain Significance.

NM_002295.6(RPSA):c.845C>G (p.Ala282Gly)

Gene: RPSA (ribosomal protein SA; plus strand). Cytogenetic location: 3p22.1.
Variant type: single nucleotide variant.
Coding change: c.845C>G on transcript NM_002295.6 (MANE Select); coding-DNA position 845, C replaced by G.
Protein change: p.Ala282Gly; replaces alanine 282 with glycine.
Molecular consequence: missense variant.
Genome position (GRCh38, 1-based): chr3:39,412,325, C>G. VCF-style: chr3-39412325-C-G. GRCh37 (hg19) VCF-style: chr3-39453816-C-G.
Other names: c.860C>G, p.Ala287Gly (NM_001304288.2); short protein forms A282G, A287G.
Identifiers: ClinVar variation 3669811 (VCV003669811.2).
Genomic context (GRCh38, chr3:39,412,325, plus strand): 5'-TCTTAACAGAAGACTGGAGCGCTCAGCCTGCCACGGAAGACTGGTCTGCAGCTCCCACTG[C>G]TCAGGCCACTGAATGGGTAGGAGCAACCACTGACTGGTCTTAAGCTGTTCTTGCATAGGC-3'
Protein context (NP_002286.2, residues 272-292): ATEDWSAAPT[Ala282Gly]QATEWVGATT